The following is an entry in ClinVar:

NM_001242896.3(DEPDC5):c.2186C>T (p.Ala729Val)

Gene: DEPDC5 (DEP domain containing 5, GATOR1 subcomplex subunit; plus strand). Cytogenetic location: 22q12.3.
Variant type: single nucleotide variant.
Coding change: c.2186C>T on transcript NM_001242896.3 (MANE Select); coding-DNA position 2186, C replaced by T.
Protein change: p.Ala729Val; replaces alanine 729 with valine.
Molecular consequence: missense variant. On other transcripts: non-coding transcript variant (4), intron variant (3).
Genome position (GRCh38, 1-based): chr22:31,836,987, C>T. VCF-style: chr22-31836987-C-T. GRCh37 (hg19) VCF-style: chr22-32232973-C-T.
Other names: c.1952C>T, p.Ala651Val (NM_001242897.2, NM_001363854.2, NM_001364319.2); c.2186C>T, p.Ala729Val (NM_001363852.2, NM_001364318.2, NM_001364320.2); c.2102C>T, p.Ala701Val (NM_001369901.1, NM_001369902.1); c.2171-12C>T (NM_001136029.4, NM_014662.6, NM_001369903.1); short protein forms A651V, A701V, A729V.
Identifiers: ClinVar variation 3647882 (VCV003647882.2).

ClinVar aggregate classification (germline): Uncertain significance (1 of 4 stars; one submission).

Conditions:
Familial focal epilepsy with variable foci (FPEVF). Identifiers: Orphanet 98820, MedGen C1858477, MONDO:0020310.

gnomAD v4.1: 2 of 1,613,666 alleles (0.00012%); highest among the groups gnomAD compares: Non-Finnish European, 0.000085%; no homozygotes.

Submission:

Labcorp Genetics (formerly Invitae), Labcorp
Classification: Uncertain significance for Familial focal epilepsy with variable foci. Last evaluated: 2024-03-27. Review status: criteria provided, single submitter. Criteria: Invitae Variant Classification Sherloc (09022015). Collection method: clinical testing. Allele origin: germline.
Comment: This sequence change replaces alanine, which is neutral and non-polar, with valine, which is neutral and non-polar, at codon 729 of the DEPDC5 protein (p.Ala729Val). This variant is present in population databases (no rsID available, gnomAD 0.004%). This variant has not been reported in the literature in individuals affected with DEPDC5-related conditions. Experimental studies and prediction algorithms are not available or were not evaluated, and the functional significance of this variant is currently unknown. In summary, the available evidence is currently insufficient to determine the role of this variant in disease. Therefore, it has been classified as a Variant of Uncertain Significance.